The following is an entry in ClinVar:

ClinVar aggregate classification (germline): Uncertain significance. Review status: criteria provided, multiple submitters, no conflicts (2 of 4 stars). 2 submissions from 2 submitters: Uncertain significance (2). Last evaluated 2024-01-26.

Conditions:
Cardiomyopathy (CMYO). Also called: Cardiomyopathies. Identifiers: Orphanet 167848, MedGen C0878544, MONDO:0004994, HP:0001638. Inheritance: Various modes of inheritance.
Hypertrophic cardiomyopathy. Also called: HYPERTROPHIC MYOCARDIOPATHY. Identifiers: Orphanet 217569, MedGen C0007194, MeSH D002312, MONDO:0005045, HP:0001639.

Submissions (2):

Labcorp Genetics (formerly Invitae), Labcorp
Classification: Uncertain significance for Hypertrophic cardiomyopathy. Last evaluated: 2024-01-26. Review status: criteria provided, single submitter. Criteria: Invitae Variant Classification Sherloc (09022015). Collection method: clinical testing. Allele origin: germline.
Comment: This sequence change replaces threonine, which is neutral and polar, with alanine, which is neutral and non-polar, at codon 1695 of the MYH7 protein (p.Thr1695Ala). This variant is not present in population databases (gnomAD no frequency). This variant has not been reported in the literature in individuals affected with MYH7-related conditions. Advanced modeling of protein sequence and biophysical properties (such as structural, functional, and spatial information, amino acid conservation, physicochemical variation, residue mobility, and thermodynamic stability) performed at Invitae indicates that this missense variant is not expected to disrupt MYH7 protein function with a negative predictive value of 95%. In summary, the available evidence is currently insufficient to determine the role of this variant in disease. Therefore, it has been classified as a Variant of Uncertain Significance.

All of Us Research Program, National Institutes of Health
Classification: Uncertain significance for Cardiomyopathy. Last evaluated: 2023-04-03. Review status: criteria provided, single submitter. Criteria: ACMG Guidelines, 2015. Collection method: clinical testing. Allele origin: germline. Inheritance: Autosomal dominant inheritance. Observed: 1 variant allele, 1 heterozygote.
Comment: This missense variant replaces threonine with alanine at codon 1695 of the MYH7 protein. Computational prediction suggests that this variant may not impact protein structure and function (internally defined REVEL score threshold <= 0.5, PMID: 27666373). To our knowledge, functional studies have not been reported for this variant. This variant has not been reported in individuals affected with MYH7-related disorders in the literature. This variant has not been identified in the general population by the Genome Aggregation Database (gnomAD). The available evidence is insufficient to determine the role of this variant in disease conclusively. Therefore, this variant is classified as a Variant of Uncertain Significance.

This study involves interpretation of variants in research participants for the purpose of population health screening. Participant phenotype was not available at the time of variant classification. Additional details can be found in publication PMID: 35346344, PMCID: PMC8962531

NM_000257.4(MYH7):c.5083A>G (p.Thr1695Ala)

Genes: MHRT (myosin heavy chain associated RNA transcript; plus strand), MYH7 (myosin heavy chain 7; minus strand), LOC126861897 (BRD4-independent group 4 enhancer GRCh37_chr14:23884455-23885654; plus strand). Cytogenetic location: 14q11.2.
Variant type: single nucleotide variant.
Coding change: c.5083A>G on transcript NM_000257.4 (MANE Select); coding-DNA position 5083, A replaced by G.
Protein change: p.Thr1695Ala; replaces threonine 1695 with alanine.
Molecular consequence: missense variant. On other transcripts: non-coding transcript variant (1).
Genome position (GRCh38, 1-based): chr14:23,415,703, T>C on the plus strand (A>G on the coding strand, the complement: MYH7 is on the minus strand). VCF-style: chr14-23415703-T-C. GRCh37 (hg19) VCF-style: chr14-23884912-T-C.
Other names: c.5083A>G, p.Thr1695Ala (NM_001407004.1); short protein forms T1695A.
Identifiers: ClinVar variation 2836412 (VCV002836412.4), dbSNP rs2502242569, ClinGen allele CA389036995.